The following is an entry in ClinVar:

NM_001036.6(RYR3):c.12463G>A (p.Asp4155Asn)

Gene: RYR3 (ryanodine receptor 3; plus strand). Cytogenetic location: 15q14.
Variant type: single nucleotide variant.
Coding change: c.12463G>A on transcript NM_001036.6 (MANE Select); coding-DNA position 12463, G replaced by A.
Protein change: p.Asp4155Asn; replaces aspartic acid 4155 with asparagine.
Molecular consequence: missense variant.
Genome position (GRCh38, 1-based): chr15:33,838,443, G>A. VCF-style: chr15-33838443-G-A. GRCh37 (hg19) VCF-style: chr15-34130644-G-A.
Other names: c.12463G>A (NM_001036.3); c.12448G>A, p.Asp4150Asn (NM_001243996.4); short protein forms D4155N, D4150N.
Identifiers: ClinVar variation 580244 (VCV000580244.15), dbSNP rs200893645, ClinGen allele CA7461407.
Genomic context (GRCh38, chr15:33,838,443, plus strand): 5'-TCTCTTGAGCCGGCCTCTGCATTTGCTATGGCCTGTGCCTCTGTGAAGAGGAATGTCACC[G>A]ACTTCCTGAAGAGAGCAACCCTGAAGAACCTCAGGAAGCAGTACAGGAACGTGAAAAAGA-3'
Protein context (NP_001027.3, residues 4145-4165): ACASVKRNVT[Asp4155Asn]FLKRATLKNL

ClinVar aggregate classification (germline): Likely benign. Review status: criteria provided, multiple submitters, no conflicts (2 of 4 stars). 3 submissions from 3 submitters: Likely benign (2). 1 of the submissions does not count toward it. Last evaluated 2021-11-09.

Conditions:
RYR3-related disorder. Also called: RYR3-related condition.
Epileptic encephalopathy. Identifiers: MedGen C0543888, HP:0200134.

Allele frequency attached by ClinVar (database versions not stated): ESP Exome Variant Server 0.00025; 1000 Genomes Project 0.00040; 1000 Genomes Project 30x 0.00047; gnomAD 0.00009; gnomAD exomes 0.00009 and 0.00023; TOPMed 0.00012; ExAC 0.00019.
gnomAD v4.1: 152 of 1,613,974 alleles (0.0094%); highest among the groups gnomAD compares: East Asian, 0.15%; 1 homozygote.

Submissions (3):

Ambry Genetics
Classification: Likely benign. Last evaluated: 2021-11-09. Review status: criteria provided, single submitter. Criteria: Ambry Variant Classification Scheme 2023. Collection method: clinical testing. Allele origin: germline.

Labcorp Genetics (formerly Invitae), Labcorp
Classification: Likely benign for Epileptic encephalopathy. Last evaluated: 2019-10-26. Review status: criteria provided, single submitter. Criteria: Invitae Variant Classification Sherloc (09022015). Collection method: clinical testing. Allele origin: germline.

PreventionGenetics, part of Exact Sciences
Classification: Likely benign for RYR3-related condition. Last evaluated: 2022-03-31. Review status: no assertion criteria provided. Collection method: clinical testing. Allele origin: germline. Not counted in ClinVar's aggregate classification.
Comment: This variant is classified as likely benign based on ACMG/AMP sequence variant interpretation guidelines (Richards et al. 2015 PMID: 25741868, with internal and published modifications).